The following is an entry in ClinVar:

NM_006208.3(ENPP1):c.2311+5A>C

Gene: ENPP1 (ectonucleotide pyrophosphatase/phosphodiesterase 1; plus strand). Cytogenetic location: 6q23.2.
Variant type: single nucleotide variant.
Coding change: c.2311+5A>C on transcript NM_006208.3 (MANE Select); 5 bases into the intron after coding-DNA position 2311, A replaced by C.
Molecular consequence: intron variant.
Genome position (GRCh38, 1-based): chr6:131,883,779, A>C. VCF-style: chr6-131883779-A-C. GRCh37 (hg19) VCF-style: chr6-132204919-A-C.
Identifiers: ClinVar variation 2811782 (VCV002811782.3), dbSNP rs2483530289, ClinGen allele CA2680371112.
Genomic context (GRCh38, chr6:131,883,779, plus strand): 5'-ATATTCTGAAGCTTTGCTTACTACAAATATAGTGCCAATGTACCAGAGTTTTCAAGGTAA[A>C]TAATGTTAACTCTATATTTGATAATTTTAATGAATTTGTGCACATATAGGCATAATTCAT-3'

ClinVar aggregate classification (germline): Uncertain significance (1 of 4 stars; one submission).

Allele frequency attached by ClinVar (database versions not stated): gnomAD exomes below 0.00001.
gnomAD v4.1: 1 of 1,380,168 alleles (0.000072%); highest among the groups gnomAD compares: Non-Finnish European, 0.0001%; no homozygotes.

Submission:

Labcorp Genetics (formerly Invitae), Labcorp
Classification: Uncertain significance. Last evaluated: 2022-11-03. Review status: criteria provided, single submitter. Criteria: Invitae Variant Classification Sherloc (09022015). Collection method: clinical testing. Allele origin: germline.
Comment: This variant is not present in population databases (gnomAD no frequency). In summary, the available evidence is currently insufficient to determine the role of this variant in disease. Therefore, it has been classified as a Variant of Uncertain Significance. Variants that disrupt the consensus splice site are a relatively common cause of aberrant splicing (PMID: 17576681, 9536098). Algorithms developed to predict the effect of sequence changes on RNA splicing suggest that this variant is not likely to affect RNA splicing. This variant has not been reported in the literature in individuals affected with ENPP1-related conditions. This sequence change falls in intron 22 of the ENPP1 gene. It does not directly change the encoded amino acid sequence of the ENPP1 protein. It affects a nucleotide within the consensus splice site.

Literature cited by the submitters: PubMed 17576681; PubMed 9536098.